The following is an entry in ClinVar:

NM_002528.7(NTHL1):c.379T>C (p.Ser127Pro)

Gene: NTHL1 (nth like DNA glycosylase 1; minus strand). Cytogenetic location: 16p13.3.
Variant type: single nucleotide variant.
Coding change: c.379T>C on transcript NM_002528.7 (MANE Select); coding-DNA position 379, T replaced by C.
Protein change: p.Ser127Pro; replaces serine 127 with proline.
Molecular consequence: missense variant. On other transcripts: intron variant (1).
Genome position (GRCh38, 1-based): chr16:2,044,776, A>G on the plus strand (T>C on the coding strand, the complement: NTHL1 is on the minus strand). VCF-style: chr16-2044776-A-G. GRCh37 (hg19) VCF-style: chr16-2094777-A-G.
Other names: c.49T>C, p.Ser17Pro (NM_001318194.2); c.355-1050T>C (NM_001318193.2); short protein forms S127P, S17P.
Identifiers: ClinVar variation 1717852 (VCV001717852.5), dbSNP rs2084319616, ClinGen allele CA394294689.
Genomic context (GRCh38, chr16:2,044,776, plus strand): 5'-GCAGTCGCTGCATGGCGCCCGCCGTCACCTGGTCTTTGGTTTGGCTGGAGAGCATCAGTG[A>G]CAGCAGCACCTGGTACCTGCGTACCTGCTTGTGCAGTGACAGGGACCGGGGTGGCGGCGG-3'
Protein context (NP_002519.2, residues 117-137): PKVRRYQVLL[Ser127Pro]LMLSSQTKDQ

ClinVar aggregate classification (germline): Uncertain significance (1 of 4 stars; one submission).

Submission:

Labcorp Genetics (formerly Invitae), Labcorp
Classification: Uncertain significance. Last evaluated: 2022-08-23. Review status: criteria provided, single submitter. Criteria: Invitae Variant Classification Sherloc (09022015). Collection method: clinical testing. Allele origin: germline.
Comment: In summary, the available evidence is currently insufficient to determine the role of this variant in disease. Therefore, it has been classified as a Variant of Uncertain Significance. RNA analysis performed to evaluate the impact of this missense change on mRNA splicing indicates it does not significantly alter splicing (Invitae). Algorithms developed to predict the effect of missense changes on protein structure and function are either unavailable or do not agree on the potential impact of this missense change (SIFT: "Not Available"; PolyPhen-2: "Probably Damaging"; Align-GVGD: "Not Available"). This variant has not been reported in the literature in individuals affected with NTHL1-related conditions. This variant is not present in population databases (gnomAD no frequency). This sequence change replaces serine, which is neutral and polar, with proline, which is neutral and non-polar, at codon 135 of the NTHL1 protein (p.Ser135Pro).